The following is an entry in ClinVar:

ClinVar aggregate classification (germline): Uncertain significance (1 of 4 stars; one submission).

Conditions:
Deficiency of ferroxidase (ACEP). Also called: Deficiency of ceruloplasmin; NEURODEGENERATION WITH BRAIN IRON ACCUMULATION 10; Aceruloplasminemia; Ceruloplasmin deficiency; Familial apoceruloplasmin deficiency; Hereditary ceruloplasmin deficiency. Identifiers: Orphanet 48818, MedGen C0878682, MONDO:0011426, OMIM 604290, HP:0025498.

Allele frequency attached by ClinVar (database versions not stated): gnomAD exomes below 0.00001.
gnomAD v4.1: 5 of 1,613,518 alleles (0.00031%); highest among the groups gnomAD compares: Non-Finnish European, 0.00034%; no homozygotes.

Submission:

Labcorp Genetics (formerly Invitae), Labcorp
Classification: Uncertain significance for Deficiency of ferroxidase. Last evaluated: 2023-01-12. Review status: criteria provided, single submitter. Criteria: Invitae Variant Classification Sherloc (09022015). Collection method: clinical testing. Allele origin: germline.
Comment: This sequence change replaces cysteine, which is neutral and slightly polar, with arginine, which is basic and polar, at codon 900 of the CP protein (p.Cys900Arg). In summary, the available evidence is currently insufficient to determine the role of this variant in disease. Therefore, it has been classified as a Variant of Uncertain Significance. Advanced modeling of protein sequence and biophysical properties (such as structural, functional, and spatial information, amino acid conservation, physicochemical variation, residue mobility, and thermodynamic stability) performed at Invitae indicates that this missense variant is expected to disrupt CP protein function. This variant has not been reported in the literature in individuals affected with CP-related conditions. This variant is not present in population databases (gnomAD no frequency).

NM_000096.4(CP):c.2698T>C (p.Cys900Arg)

Gene: CP (ceruloplasmin; minus strand). Cytogenetic location: 3q24.
Variant type: single nucleotide variant.
Coding change: c.2698T>C on transcript NM_000096.4 (MANE Select); coding-DNA position 2698, T replaced by C.
Protein change: p.Cys900Arg; replaces cysteine 900 with arginine.
Molecular consequence: missense variant. On other transcripts: non-coding transcript variant (1).
Genome position (GRCh38, 1-based): chr3:149,178,595, A>G on the plus strand (T>C on the coding strand, the complement: CP is on the minus strand). VCF-style: chr3-149178595-A-G. GRCh37 (hg19) VCF-style: chr3-148896382-A-G.
Other names: short protein forms C900R.
Identifiers: ClinVar variation 2765676 (VCV002765676.3), dbSNP rs2472733723, ClinGen allele CA354929826.